The following is an entry in ClinVar:

ClinVar aggregate classification (germline): Uncertain significance (1 of 4 stars; one submission).

Allele frequency attached by ClinVar (database versions not stated): gnomAD exomes below 0.00001; TOPMed below 0.00001; ExAC 0.00001; gnomAD 0.00001.
gnomAD v4.1: 5 of 1,614,112 alleles (0.00031%); highest among the groups gnomAD compares: African/African-American, 0.0013%; no homozygotes.

Submission:

Labcorp Genetics (formerly Invitae), Labcorp
Classification: Uncertain significance. Last evaluated: 2022-10-17. Review status: criteria provided, single submitter. Criteria: Invitae Variant Classification Sherloc (09022015). Collection method: clinical testing. Allele origin: germline.
Comment: This sequence change replaces proline with leucine at codon 454 of the UGT1A1 protein (p.Pro454Leu). The proline residue is moderately conserved and there is a moderate physicochemical difference between proline and leucine. In summary, the available evidence is currently insufficient to determine the role of this variant in disease. Therefore, it has been classified as a Variant of Uncertain Significance. Advanced modeling of protein sequence and biophysical properties (such as structural, functional, and spatial information, amino acid conservation, physicochemical variation, residue mobility, and thermodynamic stability) performed at Invitae indicates that this missense variant is expected to disrupt UGT1A1 protein function. ClinVar contains an entry for this variant (Variation ID: 1510262). This variant has not been reported in the literature in individuals affected with UGT1A1-related conditions. This variant is present in population databases (rs762488947, gnomAD 0.0009%).

NM_000463.3(UGT1A1):c.1361C>T (p.Pro454Leu)

Genes: UGT1A (UDP glucuronosyltransferase family 1 member A complex locus; plus strand), UGT1A1 (UDP glucuronosyltransferase family 1 member A1; plus strand), UGT1A10 (UDP glucuronosyltransferase family 1 member A10; plus strand), UGT1A3 (UDP glucuronosyltransferase family 1 member A3; plus strand), UGT1A4 (UDP glucuronosyltransferase family 1 member A4; plus strand) and 5 more. Cytogenetic location: 2q37.1.
Variant type: single nucleotide variant.
Coding change: c.1361C>T on transcript NM_000463.3 (MANE Select); coding-DNA position 1361, C replaced by T.
Protein change: p.Pro454Leu; replaces proline 454 with leucine.
Molecular consequence: missense variant.
Genome position (GRCh38, 1-based): chr2:233,772,318, C>T. VCF-style: chr2-233772318-C-T. GRCh37 (hg19) VCF-style: chr2-234680964-C-T.
Other names: c.1352C>T, p.Pro451Leu (NM_019075.4, NM_019076.5, NM_019077.3 and 1 more transcripts); c.1358C>T, p.Pro453Leu (NM_001072.4); c.557C>T, p.Pro186Leu (NM_205862.3); c.1364C>T, p.Pro455Leu (NM_019078.2, NM_007120.3, NM_019093.4); short protein forms P451L, P455L, P186L, P453L, P454L.
Identifiers: ClinVar variation 1510262 (VCV001510262.6), dbSNP rs762488947, ClinGen allele CA2180101.